The following is an entry in ClinVar:

ClinVar aggregate classification (germline): Benign (1 of 4 stars; one submission).

Conditions:
X-linked lymphoproliferative disease due to XIAP deficiency. Also called: XIAP DEFICIENCY; XIAP-Related Lymphoproliferative Disease, X-Linked. Identifiers: Orphanet 2442, Orphanet 538934, MedGen C1845076, MONDO:0010385, OMIM 300635.

Allele frequency attached by ClinVar (database versions not stated): gnomAD 0.00005 and 0.00008; TOPMed 0.00011; 1000 Genomes Project 30x 0.00042; 1000 Genomes Project 0.00053.
gnomAD v4.1: 31 of 325,944 alleles (0.0095%); highest among the groups gnomAD compares: East Asian, 0.29%; no homozygotes.

Submission:

Illumina Laboratory Services, Illumina
Classification: Benign for X-linked lymphoproliferative disease due to XIAP deficiency. Last evaluated: 2018-01-13. Review status: criteria provided, single submitter. Criteria: ICSL Variant Classification Criteria 13 December 2019. Collection method: clinical testing. Allele origin: germline.
Comment: This variant was observed in the ICSL laboratory as part of a predisposition screen in an ostensibly healthy population. It had not been previously curated by ICSL or reported in the Human Gene Mutation Database (HGMD: prior to June 1st, 2018), and was therefore a candidate for classification through an automated scoring system. Utilizing variant allele frequency, disease prevalence and penetrance estimates, and inheritance mode, an automated score was calculated to assess if this variant is too frequent to cause the disease. Based on the score and internal cut-off values, a variant classified as benign is not then subjected to further curation. The score for this variant resulted in a classification of benign for this disease.

NM_001167.4(XIAP):c.*5295A>T

Gene: XIAP (X-linked inhibitor of apoptosis; plus strand). Cytogenetic location: Xq25.
Variant type: single nucleotide variant.
Coding change: c.*5295A>T on transcript NM_001167.4 (MANE Select); 5295 bases downstream of the stop codon, A replaced by T.
Molecular consequence: 3 prime UTR variant. On other transcripts: non-coding transcript variant (2).
Genome position (GRCh38, 1-based): chrX:123,912,476, A>T. VCF-style: chrX-123912476-A-T. GRCh37 (hg19) VCF-style: chrX-123046326-A-T.
Other names: c.*5295A>T (NM_001204401.2, NM_001378590.1, NM_001378591.1 and 1 more transcripts).
Identifiers: ClinVar variation 367849 (VCV000367849.5), dbSNP rs755335432, ClinGen allele CA10651664.
Genomic context (GRCh38, chrX:123,912,476, plus strand): 5'-ACATGAATTAAAGTATATGATGCCAGCCTGGACAAAAGGCAAAACCCTGTCTCTACAAAA[A>T]ATACAAAAATTAGCTGGGCATGGTGGTGTGTGCCTGTAGTCCTGGCTACTCCGGAGCCTG-3'